The following is an entry in ClinVar:

ClinVar aggregate classification (germline): Benign. Review status: reviewed by expert panel (3 of 4 stars). 19 submissions from 19 submitters: Benign (1). 18 of the submissions do not count toward it. Last evaluated 2023-08-17.

Conditions:
CDH1-related diffuse gastric and lobular breast cancer syndrome. Also called: CDH1-related diffuse gastric and lobular breast cancer. Identifiers: MedGen CN311521, MONDO:0100488.
CDH1-related disorder. Also called: CDH1-related condition.
Hereditary cancer-predisposing syndrome. Also called: Tumor predisposition; Neoplastic Syndromes, Hereditary; Hereditary neoplastic syndrome; Hereditary Cancer Syndrome. Identifiers: Orphanet 140162, MedGen C0027672, MeSH D009386, MONDO:0015356.
Hereditary diffuse gastric adenocarcinoma (HDGC). Also called: DIFFUSE GASTRIC AND LOBULAR BREAST CANCER SYNDROME. Identifiers: Orphanet 26106, MedGen C1708349, MONDO:0007648, OMIM 137215.

Allele frequency attached by ClinVar (database versions not stated): TOPMed 0.00003; gnomAD exomes 0.00017 and 0.00034; gnomAD 0.00035 and 0.00038; ExAC 0.00037.

Submissions (19):

Clingen Gastric Cancer Variant Curation Expert Panel
Classification: Benign for CDH1-related diffuse gastric and lobular breast cancer syndrome. Last evaluated: 2023-08-17. Review status: reviewed by expert panel. Criteria: ClinGen CDH1 ACMG Specifications V3.1. Collection method: curation. Allele origin: germline. Inheritance: Autosomal dominant inheritance.
Comment: The c.808T>G (p.Ser270Ala) variant has a maximum subpopulation frequency of 0.002269 (0.2269%, 57 of 25124 alleles) in the European (Finnish) subpopulation of the gnomAD v2.1.1 cohort (BA1). This variant has also has been observed in more than 10 individuals without a diagnosis of diffuse gastric cancer, signet ring tumor or lobular breast cancer and whose family histories do not suggest HDGC (BS2; SCV000185687.6, SCV000254832.8). In summary, this variant meets criteria to be classified as benign based the ACMG/AMP criteria applied, as specified by the CDH1 Variant Curation Expert Panel (Variant Interpretation Guidelines Version 3.1): BA1, BS2.

PreventionGenetics, part of Exact Sciences
Classification: Likely benign for CDH1-related condition. Last evaluated: 2026-04-02. Review status: criteria provided, single submitter. Criteria: ACMG Guidelines, 2015. Collection method: clinical testing. Allele origin: germline. Not counted in ClinVar's aggregate classification.
Comment: This variant is classified as likely benign based on ACMG/AMP sequence variant interpretation guidelines (Richards et al. 2015 PMID: 25741868, with internal and published modifications).

Labcorp Genetics (formerly Invitae), Labcorp
Classification: Likely benign for Hereditary diffuse gastric adenocarcinoma. Last evaluated: 2026-01-27. Review status: criteria provided, single submitter. Criteria: Invitae Variant Classification Sherloc (09022015). Collection method: clinical testing. Allele origin: germline. Not counted in ClinVar's aggregate classification.

Center for Genomic Medicine, Rigshospitalet, Copenhagen University Hospital
Classification: Likely benign. Last evaluated: 2025-03-04. Review status: criteria provided, single submitter. Criteria: ACMG Guidelines, 2015. Collection method: clinical testing. Allele origin: germline. Not counted in ClinVar's aggregate classification.

Laboratory of Genetics, Children's Clinical University Hospital Latvia
Classification: Benign. Last evaluated: 2025-02-16. Review status: criteria provided, single submitter. Criteria: ACMG Guidelines, 2015. Collection method: clinical testing. Allele origin: germline. Affected: yes. Not counted in ClinVar's aggregate classification.

Blueprint Genetics
Classification: Likely benign. Last evaluated: 2024-09-03. Review status: criteria provided, single submitter. Criteria: ACMG Guidelines, 2015. Collection method: clinical testing. Allele origin: germline. Not counted in ClinVar's aggregate classification.

Myriad Genetics, Inc.
Classification: Uncertain significance for Hereditary diffuse gastric adenocarcinoma. Last evaluated: 2023-03-06. Review status: criteria provided, single submitter. Criteria: Myriad Autosomal Dominant, Autosomal Recessive and X-Linked Classification Criteria (2023). Collection method: clinical testing. Allele origin: unknown. Not counted in ClinVar's aggregate classification.
Comment: This variant is classified as a variant of uncertain significance as there is insufficient evidence to determine its impact on protein function and/or cancer risk.

European Reference Network on Genetic Tumour Risk Syndromes (ERN-GENTURIS), i3s - Instituto de Investigação e Inovação em Saúde, University of Porto
Classification: Likely benign for Hereditary diffuse gastric adenocarcinoma. Last evaluated: 2022-08-01. Review status: criteria provided, single submitter. Criteria: Lee et al. (Hum Mutat. 2018). Collection method: clinical testing. Allele origin: germline. Inheritance: Autosomal dominant inheritance. Affected: no. Study: ERN GENTURIS. Not counted in ClinVar's aggregate classification.
Comment: BS2 (PMID: 30311375)

Sema4
Classification: Uncertain significance for Hereditary cancer-predisposing syndrome. Last evaluated: 2022-03-01. Review status: criteria provided, single submitter. Criteria: Sema4 Curation Guidelines. Collection method: curation. Allele origin: germline. Not counted in ClinVar's aggregate classification.
Comment: The CDH1 c.808T>G (p.S270A) variant has been reported in individuals with prostate cancer, gastric cancer, breast and/or ovarian cancer (PMID: 11705864, 30333958, 29928469, 32426482, 26898890). However, it was also observed in controls (PMID: 33471991, 11705864). A population-based study indicated a higher prevalence of p.S270A among both familial prostate cancer cases and unselected prostate cancer patients (10/582) as compared with controls (5/923) (PMID: 11705864). It was observed in 57/25124 chromosomes of the Finnish subpopulation in the large and broad cohorts of the Genome Aggregation Database (PMID: 32461654). The variant has been reported in ClinVar (Variation ID 142011). In silico tools suggest the impact of the variant on protein function is inconclusive. Functional studies demonstrated the variant slightly reduces adhesion and does not have an impact on migration while rendering the protein non-activatable (PMID: 27582386). Therefore, taking all available lines of evidence into consideration, the variant is classified as a VUS, until segregation and large scale case-control studies become available.

Quest Diagnostics Nichols Institute San Juan Capistrano
Classification: Likely benign. Last evaluated: 2020-09-19. Review status: criteria provided, single submitter. Criteria: Quest Diagnostics criteria. Collection method: clinical testing. Allele origin: unknown. Not counted in ClinVar's aggregate classification.

Department of Pathology and Laboratory Medicine, Sinai Health System
Classification: Likely benign for CDH1-related diffuse gastric and lobular breast cancer syndrome. Last evaluated: 2020-08-19. Review status: criteria provided, single submitter. Criteria: ACMG Guidelines, 2015. Collection method: clinical testing. Allele origin: germline. Affected: no. Not counted in ClinVar's aggregate classification.

Mendelics
Classification: Benign for Hereditary diffuse gastric adenocarcinoma. Last evaluated: 2019-05-28. Review status: criteria provided, single submitter. Criteria: Mendelics Assertion Criteria 2017. Collection method: clinical testing. Allele origin: unknown. Not counted in ClinVar's aggregate classification.

GeneDx
Classification: Likely benign. Last evaluated: 2019-05-13. Review status: criteria provided, single submitter. Criteria: GeneDx Variant Classification Process June 2021. Collection method: clinical testing. Allele origin: germline. Affected: yes. Not counted in ClinVar's aggregate classification.
Comment: In silico analysis, which includes protein predictors and evolutionary conservation, supports that this variant does not alter protein structure/function; This variant is associated with the following publications: (PMID: 26182300, 11948460, 19725995, 17545690, 11705864, 22098830, 27582386, 29928469, 30333958, 32426482)

Women's Health and Genetics/Laboratory Corporation of America, LabCorp
Classification: Likely benign. Last evaluated: 2019-02-01. Review status: criteria provided, single submitter. Criteria: LabCorp Variant Classification Summary - May 2015. Collection method: clinical testing. Allele origin: germline. Not counted in ClinVar's aggregate classification.
Comment: Variant summary: CDH1 c.808T>G (p.Ser270Ala) results in a conservative amino acid change located in the second cadherin repeat (IPR002126) of the encoded protein sequence. Five of five in-silico tools predict a benign effect of the variant on protein function. The variant allele was found at a frequency of 0.00044 in 282828 control chromosomes, predominantly at a frequency of 0.0023 within the Finnish subpopulation in the gnomAD database. The observed variant frequency within Finnish control individuals in the gnomAD database is approximately 80 fold of the estimated maximal expected allele frequency for a pathogenic variant in CDH1 causing Hereditary Diffuse Gastric Cancer phenotype (2.8e-05), strongly suggesting that the variant is a benign polymorphism found primarily in populations of Finnish origin. c.808T>G has been reported in the literature in individuals affected with gastric cancer and breast/ovary cancer (e.g. Ikonen 2001, Brovkina 2018). These reports however, do not provide unequivocal conclusions about association of the variant with Hereditary Diffuse Gastric Cancer. At least one publication reported experimental evidence evaluating an impact on protein function, demonstarating that the variant resulted in a strong adhesion but a bit lower than that of WT, the effect on cell migration in a wound closure assay was similar to WT, however, the variant protein was not activatable in CHO cells (Petrova 2016). The significance of these results at the cellular level remains however unclear. Five clinical diagnostic laboratories have submitted clinical-significance assessments for this variant to ClinVar after 2014 without evidence for independent evaluation (4 classifying it as likely benign, and 1 as a VUS). Based on the evidence outlined above, the variant was classified as likely benign.

Ambry Genetics
Classification: Likely benign for Hereditary cancer-predisposing syndrome. Last evaluated: 2018-08-22. Review status: criteria provided, single submitter. Criteria: Ambry Variant Classification Scheme 2023. Collection method: clinical testing. Allele origin: germline. Not counted in ClinVar's aggregate classification.

Illumina Laboratory Services, Illumina
Classification: Likely benign for Hereditary diffuse gastric adenocarcinoma. Last evaluated: 2017-04-27. Review status: criteria provided, single submitter. Criteria: ICSL Variant Classification Criteria 13 December 2019. Collection method: clinical testing. Allele origin: germline. Not counted in ClinVar's aggregate classification.
Comment: This variant was observed as part of a predisposition screen in an ostensibly healthy population. A literature search was performed for the gene, cDNA change, and amino acid change (where applicable). Publications were found based on this search. The evidence from the literature, in combination with allele frequency data from public databases where available, was sufficient to determine this variant is unlikely to cause disease. Therefore, this variant is classified as likely benign.

Color Diagnostics, LLC DBA Color Health
Classification: Likely benign for Hereditary cancer-predisposing syndrome. Last evaluated: 2016-03-17. Review status: criteria provided, single submitter. Criteria: ACMG Guidelines, 2015. Collection method: clinical testing. Allele origin: germline. Not counted in ClinVar's aggregate classification.

Counsyl
Classification: Likely benign for Hereditary diffuse gastric adenocarcinoma. Last evaluated: 2018-05-23. Review status: no assertion criteria provided. Collection method: clinical testing. Allele origin: unknown. Not counted in ClinVar's aggregate classification.

Laboratório de Genética Humana e Médica,  Universidade Federal do Pará
No classification provided. Condition: Hereditary diffuse gastric cancer. Review status: no classification provided. Collection method: not provided. Allele origin: germline. Not counted in ClinVar's aggregate classification.
ClinVar note: Converted during submission from untested to not provided.

Literature cited by the submitters: PubMed 36436516 (cited by European Reference Network on Genetic Tumour Risk Syndromes (ERN-GENTURIS), i3s - Instituto de Investigação e Inovação em Saúde, University of Porto); PubMed 11705864 (cited by 6 submitters); PubMed 30333958 (cited by 4 submitters); PubMed 29928469 (cited by Sema4); PubMed 32426482 (cited by Sema4); PubMed 26898890 (cited by 4 submitters); PubMed 33471991 (cited by Sema4); PubMed 27582386 (cited by 6 submitters); PubMed 22225527 (cited by Quest Diagnostics Nichols Institute San Juan Capistrano and Ambry Genetics); PubMed 20373070 (cited by Quest Diagnostics Nichols Institute San Juan Capistrano and Ambry Genetics); PubMed 17545690 (cited by Quest Diagnostics Nichols Institute San Juan Capistrano and Ambry Genetics); PubMed 11948460 (cited by Quest Diagnostics Nichols Institute San Juan Capistrano).

NM_004360.5(CDH1):c.808T>G (p.Ser270Ala)

Gene: CDH1 (cadherin 1; plus strand). Cytogenetic location: 16q22.1.
Variant type: single nucleotide variant.
Coding change: c.808T>G on transcript NM_004360.5 (MANE Select); coding-DNA position 808, T replaced by G.
Protein change: p.Ser270Ala; replaces serine 270 with alanine.
Molecular consequence: missense variant. On other transcripts: 5 prime UTR variant (2).
Genome position (GRCh38, 1-based): chr16:68,810,317, T>G. VCF-style: chr16-68810317-T-G. GRCh37 (hg19) VCF-style: chr16-68844220-T-G.
Other names: p.S270A:TCT>GCT; NM_004360.5(CDH1):c.808T>G; c.808T>G (LRG_301t1); c.808T>G, p.Ser270Ala (NM_001317184.2); c.-808T>G (NM_001317185.2); c.-1012T>G (NM_001317186.2); short protein forms S270A.
Identifiers: ClinVar variation 142011 (VCV000142011.41), dbSNP rs587776399, ClinGen allele CA294235.